The following is an entry in ClinVar:

ClinVar aggregate classification (germline): Uncertain significance (1 of 4 stars; one submission).

Conditions:
Inborn genetic diseases. Identifiers: MedGen C0950123, MeSH D030342.

Submission:

Ambry Genetics
Classification: Uncertain significance for Inborn genetic diseases. Last evaluated: 2025-12-22. Review status: criteria provided, single submitter. Criteria: Ambry Variant Classification Scheme 2023. Collection method: clinical testing. Allele origin: germline.
Comment: The p.S421I variant (also known as c.1262G>T), located in coding exon 14 of the FANCA gene, results from a G to T substitution at nucleotide position 1262. The serine at codon 421 is replaced by isoleucine, an amino acid with dissimilar properties. This amino acid position is conserved. In addition, the in silico prediction for this alteration is inconclusive. Based on the available evidence, the clinical significance of this variant remains unclear.

NM_000135.4(FANCA):c.1262G>T (p.Ser421Ile)

Gene: FANCA (FA complementation group A; minus strand). Cytogenetic location: 16q24.3.
Variant type: single nucleotide variant.
Coding change: c.1262G>T on transcript NM_000135.4 (MANE Select); coding-DNA position 1262, G replaced by T.
Protein change: p.Ser421Ile; replaces serine 421 with isoleucine.
Molecular consequence: missense variant.
Genome position (GRCh38, 1-based): chr16:89,791,500, C>A on the plus strand (G>T on the coding strand, the complement: FANCA is on the minus strand). VCF-style: chr16-89791500-C-A. GRCh37 (hg19) VCF-style: chr16-89857908-C-A.
Other names: c.1262G>T, p.Ser421Ile (NM_001286167.3); short protein forms S421I.
Identifiers: ClinVar variation 4843022 (VCV004843022.1).